The following is an entry in ClinVar:

ClinVar aggregate classification (germline): Uncertain significance (1 of 4 stars; one submission).

gnomAD v4.1: 2 of 1,607,214 alleles (0.00012%); highest among the groups gnomAD compares: Non-Finnish European, 0.00017%; no homozygotes.

Submission:

Labcorp Genetics (formerly Invitae), Labcorp
Classification: Uncertain significance. Last evaluated: 2025-11-10. Review status: criteria provided, single submitter. Criteria: Invitae Variant Classification Sherloc (09022015). Collection method: clinical testing. Allele origin: germline.
Comment: This sequence change replaces isoleucine, which is neutral and non-polar, with valine, which is neutral and non-polar, at codon 282 of the NEDD4L protein (p.Ile282Val). This variant is not present in population databases (gnomAD no frequency). This variant has not been reported in the literature in individuals affected with NEDD4L-related conditions. ClinVar contains an entry for this variant (Variation ID: 3673203). Invitae Evidence Modeling of protein sequence and biophysical properties (such as structural, functional, and spatial information, amino acid conservation, physicochemical variation, residue mobility, and thermodynamic stability) indicates that this missense variant is not expected to disrupt NEDD4L protein function with a negative predictive value of 80%. In summary, the available evidence is currently insufficient to determine the role of this variant in disease. Therefore, it has been classified as a Variant of Uncertain Significance.

NM_001144967.3(NEDD4L):c.844A>G (p.Ile282Val)

Gene: NEDD4L (NEDD4 like E3 ubiquitin protein ligase; plus strand). Cytogenetic location: 18q21.31.
Variant type: single nucleotide variant.
Coding change: c.844A>G on transcript NM_001144967.3 (MANE Select); coding-DNA position 844, A replaced by G.
Protein change: p.Ile282Val; replaces isoleucine 282 with valine.
Molecular consequence: missense variant.
Genome position (GRCh38, 1-based): chr18:58,330,768, A>G. VCF-style: chr18-58330768-A-G. GRCh37 (hg19) VCF-style: chr18-55998000-A-G.
Other names: c.481A>G, p.Ile161Val (NM_001144964.1, NM_001144965.2, NM_001144966.3 and 2 more transcripts); c.820A>G, p.Ile274Val (NM_001144968.2, NM_001144969.2); c.844A>G, p.Ile282Val (NM_001243960.2, NM_015277.6); short protein forms I161V, I282V, I274V.
Identifiers: ClinVar variation 3673203 (VCV003673203.2).